The following is an entry in ClinVar:

NM_006045.3(ATP9A):c.1158G>A (p.Ser386=)

Gene: ATP9A (ATPase phospholipid transporting 9A; minus strand). Cytogenetic location: 20q13.2.
Variant type: single nucleotide variant.
Coding change: c.1158G>A on transcript NM_006045.3 (MANE Select); coding-DNA position 1158, G replaced by A.
Protein change: p.Ser386=; no amino-acid change (serine 386 retained).
Molecular consequence: synonymous variant.
Genome position (GRCh38, 1-based): chr20:51,671,137, C>T on the plus strand (G>A on the coding strand, the complement: ATP9A is on the minus strand). VCF-style: chr20-51671137-C-T. GRCh37 (hg19) VCF-style: chr20-50287676-C-T.
Identifiers: ClinVar variation 3026085 (VCV003026085.23), dbSNP rs376405770, ClinGen allele CA9911465.

ClinVar aggregate classification (germline): Likely benign. Review status: criteria provided, multiple submitters, no conflicts (2 of 4 stars). 2 submissions from 2 submitters: Likely benign (2). Last evaluated 2024-11-25.

Allele frequency attached by ClinVar (database versions not stated): ExAC 0.00002; TOPMed 0.00006; gnomAD 0.00007.

Submissions (2):

Blueprint Genetics
Classification: Likely benign. Last evaluated: 2024-11-25. Review status: criteria provided, single submitter. Criteria: ACMG Guidelines, 2015. Collection method: clinical testing. Allele origin: germline.

CeGaT Center for Human Genetics Tuebingen
Classification: Likely benign. Last evaluated: 2024-01-01. Review status: criteria provided, single submitter. Criteria: CeGaT Center For Human Genetics Tuebingen Variant Classification Criteria Version 2. Collection method: clinical testing. Allele origin: germline. Affected: yes. Observed: 1 variant allele.
Comment: ATP9A: BP4, BP7